The following is an entry in ClinVar:

ClinVar aggregate classification (germline): Uncertain significance. Review status: criteria provided, multiple submitters, no conflicts (2 of 4 stars). 3 submissions from 3 submitters: Uncertain significance (2). 1 of the submissions does not count toward it. Last evaluated 2025-04-01.

Conditions:
MYOPATHY, CENTRONUCLEAR, AUTOSOMAL DOMINANT, MODIFIER OF.
Autosomal dominant centronuclear myopathy. Also called: Myopathy, centronuclear, 3; MYOTUBULAR MYOPATHY, AUTOSOMAL DOMINANT. Identifiers: Orphanet 169189, MedGen C4551952, MeSH D020914, MONDO:0008048, OMIM 160150.

Allele frequency attached by ClinVar (database versions not stated): gnomAD exomes 0.00001 and below 0.00001; TOPMed 0.00001.
gnomAD v4.1: 6 of 1,614,074 alleles (0.00037%); highest among the groups gnomAD compares: Admixed American, 0.005%; no homozygotes.

Submissions (3):

Dasa
Classification: Uncertain significance for Autosomal dominant centronuclear myopathy. Last evaluated: 2025-04-01. Review status: criteria provided, single submitter. Criteria: DASA Assertion Criteria. Collection method: clinical testing. Allele origin: germline.
Comment: NM_001077525.3(MTMR14):c.1007G>A (p.Arg336Gln) is a missense variant that results in the substitution of arginine with glutamine. This variant has been reported in individuals with MTMR14-related disorders (PMID: 17008356). Functional evidence supports an impact on the gene or gene product (PMID: 17008356; PMID: 19590496). This variant has been reported as a risk allele associated with related phenotype (PMID: 17008356; PMID: 19590496). Also, this variant is rare in population databases. The currently available literature and clinical evidence are not sufficient to establish a definitive association between this variant and the reported condition. Therefore, this variant is classified as a variant of uncertain significance.

Labcorp Genetics (formerly Invitae), Labcorp
Classification: Uncertain significance. Last evaluated: 2024-07-04. Review status: criteria provided, single submitter. Criteria: Invitae Variant Classification Sherloc (09022015). Collection method: clinical testing. Allele origin: germline.
Comment: This sequence change replaces arginine, which is basic and polar, with glutamine, which is neutral and polar, at codon 336 of the MTMR14 protein (p.Arg336Gln). This variant is present in population databases (rs121434509, gnomAD 0.006%). This missense change has been observed in individual(s) with clinical features of MTMR14-related conditions (PMID: 17008356). ClinVar contains an entry for this variant (Variation ID: 1020). Advanced modeling of protein sequence and biophysical properties (such as structural, functional, and spatial information, amino acid conservation, physicochemical variation, residue mobility, and thermodynamic stability) performed at Invitae indicates that this missense variant is not expected to disrupt MTMR14 protein function with a negative predictive value of 80%. Experimental studies have shown that this missense change affects MTMR14 function (PMID: 17008356, 19590496). In summary, the available evidence is currently insufficient to determine the role of this variant in disease. Therefore, it has been classified as a Variant of Uncertain Significance.

OMIM
Classification: risk factor for MYOPATHY, CENTRONUCLEAR, AUTOSOMAL DOMINANT, MODIFIER OF. Last evaluated: 2006-11-01. Review status: no assertion criteria provided. Collection method: literature only. Allele origin: germline. Not counted in ClinVar's aggregate classification.

Literature cited by the submitters: PubMed 17008356 (cited by 3 submitters); PubMed 19590496 (cited by Dasa and Labcorp Genetics (formerly Invitae), Labcorp).

NM_001077525.3(MTMR14):c.1007G>A (p.Arg336Gln)

Gene: MTMR14 (myotubularin related protein 14; plus strand). Cytogenetic location: 3p25.3.
Variant type: single nucleotide variant.
Coding change: c.1007G>A on transcript NM_001077525.3 (MANE Select); coding-DNA position 1007, G replaced by A.
Protein change: p.Arg336Gln; replaces arginine 336 with glutamine.
Molecular consequence: missense variant.
Genome position (GRCh38, 1-based): chr3:9,684,627, G>A. VCF-style: chr3-9684627-G-A. GRCh37 (hg19) VCF-style: chr3-9726311-G-A.
Other names: c.1007G>A, p.Arg336Gln (NM_001077526.3, NM_022485.5); short protein forms R336Q.
Identifiers: ClinVar variation 1020 (VCV000001020.8), dbSNP rs121434509, ClinGen allele CA114713.